The following is an entry in ClinVar:

NM_182914.3(SYNE2):c.4576T>C (p.Cys1526Arg)

Gene: SYNE2 (spectrin repeat containing nuclear envelope protein 2; plus strand). Cytogenetic location: 14q23.2.
Variant type: single nucleotide variant.
Coding change: c.4576T>C on transcript NM_182914.3 (MANE Select); coding-DNA position 4576, T replaced by C.
Protein change: p.Cys1526Arg; replaces cysteine 1526 with arginine.
Molecular consequence: missense variant.
Genome position (GRCh38, 1-based): chr14:64,007,221, T>C. VCF-style: chr14-64007221-T-C. GRCh37 (hg19) VCF-style: chr14-64473939-T-C.
Other names: c.4576T>C, p.Cys1526Arg (NM_015180.6); short protein forms C1526R.
Identifiers: ClinVar variation 1060775 (VCV001060775.9), dbSNP rs2153513257, ClinGen allele CA389935255.

ClinVar aggregate classification (germline): Uncertain significance (1 of 4 stars; one submission).

Conditions:
Emery-Dreifuss muscular dystrophy 5, autosomal dominant (EDMD5). Also called: EMERY-DREIFUSS MUSCULAR DYSTROPHY 5. Identifiers: Orphanet 261, MedGen C2751805, MONDO:0013072, OMIM 612999.

gnomAD v4.1: 1 of 1,613,768 alleles (0.000062%); highest among the groups gnomAD compares: Non-Finnish European, 0.000085%; no homozygotes.

Submission:

Labcorp Genetics (formerly Invitae), Labcorp
Classification: Uncertain significance for Emery-Dreifuss muscular dystrophy 5, autosomal dominant. Last evaluated: 2022-10-13. Review status: criteria provided, single submitter. Criteria: Invitae Variant Classification Sherloc (09022015). Collection method: clinical testing. Allele origin: germline.
Comment: In summary, the available evidence is currently insufficient to determine the role of this variant in disease. Therefore, it has been classified as a Variant of Uncertain Significance. Algorithms developed to predict the effect of missense changes on protein structure and function are either unavailable or do not agree on the potential impact of this missense change (SIFT: "Deleterious"; PolyPhen-2: "Possibly Damaging"; Align-GVGD: "Class C0"). ClinVar contains an entry for this variant (Variation ID: 1060775). This variant has not been reported in the literature in individuals affected with SYNE2-related conditions. This variant is not present in population databases (gnomAD no frequency). This sequence change replaces cysteine, which is neutral and slightly polar, with arginine, which is basic and polar, at codon 1526 of the SYNE2 protein (p.Cys1526Arg).